The following is an entry in ClinVar:

NM_015267.4(CUX2):c.485G>C (p.Ser162Thr)

Gene: CUX2 (cut like homeobox 2; plus strand). Cytogenetic location: 12q24.11.
Variant type: single nucleotide variant.
Coding change: c.485G>C on transcript NM_015267.4 (MANE Select); coding-DNA position 485, G replaced by C.
Protein change: p.Ser162Thr; replaces serine 162 with threonine.
Molecular consequence: missense variant.
Genome position (GRCh38, 1-based): chr12:111,293,494, G>C. VCF-style: chr12-111293494-G-C. GRCh37 (hg19) VCF-style: chr12-111731298-G-C.
Other names: c.299G>C, p.Ser100Thr (NM_001370598.1); short protein forms S100T, S162T.
Identifiers: ClinVar variation 3377665 (VCV003377665.1).
Genomic context (GRCh38, chr12:111,293,494, plus strand): 5'-TTCTCCCTGCAGAGCAGAGAGAGGGGACGTCGCCTGCCGGGCCCACGCTGACCGAGGGAA[G>C]CCGCCTCCCAGGCATTCCCGGGAAAGCCCTCCTGACAGAAACCTTGCTGCAGAGAAATGA-3'
Protein context (NP_056082.2, residues 152-172): SPAGPTLTEG[Ser162Thr]RLPGIPGKAL

ClinVar aggregate classification (germline): Uncertain significance (1 of 4 stars; one submission).

Conditions:
Developmental and epileptic encephalopathy, 67. Also called: EPILEPTIC ENCEPHALOPATHY, EARLY INFANTILE, 67. Identifiers: MedGen C4748341, MONDO:0029138, OMIM 618141.

gnomAD v4.1: 1 of 1,608,334 alleles (0.000062%); highest among the groups gnomAD compares: Admixed American, 0.0017%; no homozygotes.

Submission:

Neuberg Centre For Genomic Medicine, NCGM
Classification: Uncertain significance for Developmental and epileptic encephalopathy, 67. Last evaluated: 2023-06-22. Review status: criteria provided, single submitter. Criteria: ACMG Guidelines, 2015. Collection method: clinical testing. Allele origin: germline. Inheritance: Autosomal dominant inheritance. Affected: yes.
Comment: The observed missense variant c.485G>C(p.Ser162Thr) in CUX2 gene has not been reported previously as a pathogenic variant nor as a benign variant, to our knowledge. The (p.Ser162Thr) variant is absent in gnomAD Exomes. The amino acid Ser at position 162 is changed to a Thr changing protein sequence and it might alter its composition and physico-chemical properties. Multiple lines of computational evidence (Polyphen-Benign, SIFT- Tolerated and Mutation Taster-polymorphic) predict no damaging effect on protein structure and function for this variant. The reference amino acid p.Ser162Thr in CUX2 is predicted as conserved by GERP++ and PhyloP across 100 vertebrates. For these reasons, this variant has been classified as Uncertain Significance.